The following is an entry in ClinVar:

ClinVar aggregate classification (germline): Conflicting classifications of pathogenicity. Review status: criteria provided, conflicting classifications (1 of 4 stars). 2 submissions from 2 submitters: Uncertain significance (1); Likely benign (1). Last evaluated 2025-02-24.

Conditions:
Diffuse cerebral and cerebellar atrophy - intractable seizures - progressive microcephaly syndrome. Also called: Microcephaly, progressive, with seizures and cerebral and cerebellar atrophy. Identifiers: Orphanet 404437, MedGen C4014239, MONDO:0014335, OMIM 615760.

Allele frequency attached by ClinVar (database versions not stated): gnomAD exomes 0.00001 and 0.00002; TOPMed 0.00001; ExAC 0.00002; gnomAD 0.00002; 1000 Genomes Project 30x 0.00016; 1000 Genomes Project 0.00020.

Submissions (2):

GeneDx
Classification: Uncertain significance. Last evaluated: 2025-02-24. Review status: criteria provided, single submitter. Criteria: GeneDx Variant Classification Process June 2021. Collection method: clinical testing. Allele origin: germline. Affected: yes.
Comment: Not observed at significant frequency in large population cohorts (gnomAD); In silico analysis indicates that this variant does not alter splicing; Has not been previously published as pathogenic or benign to our knowledge

Labcorp Genetics (formerly Invitae), Labcorp
Classification: Likely benign for Diffuse cerebral and cerebellar atrophy - intractable seizures - progressive microcephaly syndrome. Last evaluated: 2024-03-06. Review status: criteria provided, single submitter. Criteria: Invitae Variant Classification Sherloc (09022015). Collection method: clinical testing. Allele origin: germline.

NM_005051.3(QARS1):c.765G>A (p.Gln255=)

Gene: QARS1 (glutaminyl-tRNA synthetase 1; minus strand). Cytogenetic location: 3p21.31.
Variant type: single nucleotide variant.
Coding change: c.765G>A on transcript NM_005051.3 (MANE Select); coding-DNA position 765, G replaced by A.
Protein change: p.Gln255=; no amino-acid change (glutamine 255 retained).
Molecular consequence: synonymous variant. On other transcripts: non-coding transcript variant (1).
Genome position (GRCh38, 1-based): chr3:49,101,644, C>T on the plus strand (G>A on the coding strand, the complement: QARS1 is on the minus strand). VCF-style: chr3-49101644-C-T. GRCh37 (hg19) VCF-style: chr3-49139077-C-T.
Other names: c.765G>A (NM_005051.2); c.732G>A, p.Gln244= (NM_001272073.2).
Identifiers: ClinVar variation 1086989 (VCV001086989.8), dbSNP rs138204612, ClinGen allele CA2392031.